The following is an entry in ClinVar:

NM_000352.6(ABCC8):c.4527T>G (p.Ala1509=)

Gene: ABCC8 (ATP binding cassette subfamily C member 8; minus strand). Cytogenetic location: 11p15.1.
Variant type: single nucleotide variant.
Coding change: c.4527T>G on transcript NM_000352.6 (MANE Select); coding-DNA position 4527, T replaced by G.
Protein change: p.Ala1509=; no amino-acid change (alanine 1509 retained).
Molecular consequence: synonymous variant. On other transcripts: non-coding transcript variant (1).
Genome position (GRCh38, 1-based): chr11:17,394,284, A>C on the plus strand (T>G on the coding strand, the complement: ABCC8 is on the minus strand). VCF-style: chr11-17394284-A-C. GRCh37 (hg19) VCF-style: chr11-17415831-A-C.
Other names: c.4530T>G, p.Ala1510= (NM_001287174.3); c.4593T>G, p.Ala1531= (NM_001351295.2); c.4527T>G, p.Ala1509= (NM_001351296.2); c.4524T>G, p.Ala1508= (NM_001351297.2).
Identifiers: ClinVar variation 989952 (VCV000989952.2), dbSNP rs1953787387, ClinGen allele CA473298063.

ClinVar aggregate classification (germline): Uncertain significance. Review status: criteria provided, single submitter (1 of 4 stars). 3 submissions from 2 submitters: Uncertain significance (2). 1 of the submissions does not count toward it.

Conditions:
Maturity-onset diabetes of the young (MODY). Also called: Maturity onset diabetes mellitus in young. Identifiers: Orphanet 552, MedGen C0342276, MONDO:0018911, HP:0004904.
Transitory neonatal diabetes mellitus. Also called: Transient neonatal diabetes mellitus. Identifiers: MedGen C0342273, MONDO:0020525, HP:0008255.
Hereditary hyperinsulinism.

Submissions (3):

Clinical Genomics, Uppaluri K&H Personalized Medicine Clinic
Classification: Uncertain significance for Transitory neonatal diabetes mellitus. Review status: criteria provided, single submitter. Criteria: K & H Uppaluri Personalized Medicine Clinic Variant Classification & Assertion Criteria_Updated V.1. Collection method: research. Allele origin: somatic. Inheritance: Somatic mutation.
Comment: Mutations in ABCC8 gene are associated with both neonatal diabetes mellitus as well as MODY. Patients with this mutation may have a better response to sulfonylureas. However, no sufficient evidence is found to ascertain the role of this particular variant ( rs1953787387 ) in neonatal diabetes yet.

Clinical Genomics, Uppaluri K&H Personalized Medicine Clinic
Classification: Uncertain significance for Maturity-onset diabetes of the young. Review status: criteria provided, single submitter. Criteria: K & H Uppaluri Personalized Medicine Clinic Variant Classification & Assertion Criteria_Updated V.1. Collection method: research. Allele origin: somatic. Inheritance: Somatic mutation.
Comment: Mutations in ABCC8 gene are associated with both neonatal diabetes mellitus as well as MODY. Patients with this mutation may have a better response to sulfonylureas. However, no sufficient evidence is found to ascertain the role of this particular variant ( rs1953787387) in MODY yet.

Natera, Inc.
Classification: Uncertain significance for Hereditary hyperinsulinism. Last evaluated: 2020-04-10. Review status: no assertion criteria provided. Collection method: clinical testing. Allele origin: germline. Not counted in ClinVar's aggregate classification.

Literature cited by the submitters: PubMed 16885549 (cited by Clinical Genomics, Uppaluri K&H Personalized Medicine Clinic); PubMed 21989597 (cited by Clinical Genomics, Uppaluri K&H Personalized Medicine Clinic); PubMed 27538677 (cited by Clinical Genomics, Uppaluri K&H Personalized Medicine Clinic); PubMed 18981553 (cited by Clinical Genomics, Uppaluri K&H Personalized Medicine Clinic); PubMed 32027066 (cited by Clinical Genomics, Uppaluri K&H Personalized Medicine Clinic); PubMed 16613899 (cited by Clinical Genomics, Uppaluri K&H Personalized Medicine Clinic); PubMed 18025408 (cited by Clinical Genomics, Uppaluri K&H Personalized Medicine Clinic); PubMed 32792356 (cited by Clinical Genomics, Uppaluri K&H Personalized Medicine Clinic).